The following is an entry in ClinVar:

NM_017838.4(NHP2):c.*226G>A

Genes: NHP2 (NHP2 ribonucleoprotein; minus strand), RMND5B (required for meiotic nuclear division 5 homolog B; plus strand). Cytogenetic location: 5q35.3.
Variant type: single nucleotide variant.
Coding change: c.*226G>A on transcript NM_017838.4 (MANE Select); 226 bases downstream of the stop codon, G replaced by A.
Molecular consequence: 3 prime UTR variant.
Genome position (GRCh38, 1-based): chr5:178,149,487, C>T on the plus strand (G>A on the coding strand, the complement: NHP2 is on the minus strand). VCF-style: chr5-178149487-C-T. GRCh37 (hg19) VCF-style: chr5-177576488-C-T.
Other names: c.*309G>A (NM_001034833.2, NM_001396110.1); c.*1455C>T (NM_001288794.2, NM_001288795.2, NM_022762.5).
Identifiers: ClinVar variation 1699894 (VCV001699894.2), dbSNP rs142189994, ClinGen allele CA132927041.

ClinVar aggregate classification (germline): Likely benign (1 of 4 stars; one submission).

Allele frequency attached by ClinVar (database versions not stated): gnomAD exomes 0.00048; 1000 Genomes Project 0.00200; 1000 Genomes Project 30x 0.00219; gnomAD 0.00336 and 0.00373.
gnomAD v4.1: 700 of 540,018 alleles (0.13%); highest among the groups gnomAD compares: African/African-American, 1.2%; 3 homozygotes.

Submission:

GeneDx
Classification: Likely benign. Last evaluated: 2020-02-13. Review status: criteria provided, single submitter. Criteria: GeneDx Variant Classification Process June 2021. Collection method: clinical testing. Allele origin: germline. Affected: yes.
Comment: See Variant Classification Assertion Criteria.